The following is an entry in ClinVar:

ClinVar aggregate classification (germline): Uncertain significance (1 of 4 stars; one submission).

Conditions:
Baller-Gerold syndrome (BGS). Also called: CRANIOSYNOSTOSIS WITH RADIAL DEFECTS. Identifiers: Orphanet 1225, MedGen C0265308, MONDO:0009039, OMIM 218600.

Allele frequency attached by ClinVar (database versions not stated): TOPMed 0.00002; ExAC 0.00001; gnomAD 0.00001.
gnomAD v4.1: 5 of 1,594,108 alleles (0.00031%); highest among the groups gnomAD compares: African/African-American, 0.0054%; no homozygotes.

Submission:

Labcorp Genetics (formerly Invitae), Labcorp
Classification: Uncertain significance for Baller-Gerold syndrome. Last evaluated: 2023-10-22. Review status: criteria provided, single submitter. Criteria: Invitae Variant Classification Sherloc (09022015). Collection method: clinical testing. Allele origin: germline.
Comment: This sequence change replaces alanine, which is neutral and non-polar, with valine, which is neutral and non-polar, at codon 805 of the RECQL4 protein (p.Ala805Val). This variant is present in population databases (rs765894032, gnomAD 0.01%). This variant has not been reported in the literature in individuals affected with RECQL4-related conditions. ClinVar contains an entry for this variant (Variation ID: 842354). Advanced modeling of protein sequence and biophysical properties (such as structural, functional, and spatial information, amino acid conservation, physicochemical variation, residue mobility, and thermodynamic stability) performed at Invitae indicates that this missense variant is expected to disrupt RECQL4 protein function. In summary, the available evidence is currently insufficient to determine the role of this variant in disease. Therefore, it has been classified as a Variant of Uncertain Significance.

NM_004260.4(RECQL4):c.2414C>T (p.Ala805Val)

Gene: RECQL4 (RecQ like helicase 4; minus strand). Cytogenetic location: 8q24.3.
Variant type: single nucleotide variant.
Coding change: c.2414C>T on transcript NM_004260.4 (MANE Select); coding-DNA position 2414, C replaced by T.
Protein change: p.Ala805Val; replaces alanine 805 with valine.
Molecular consequence: missense variant.
Genome position (GRCh38, 1-based): chr8:144,513,267, G>A on the plus strand (C>T on the coding strand, the complement: RECQL4 is on the minus strand). VCF-style: chr8-144513267-G-A. GRCh37 (hg19) VCF-style: chr8-145738650-G-A.
Other names: short protein forms A805V.
Identifiers: ClinVar variation 842354 (VCV000842354.6), dbSNP rs765894032, ClinGen allele CA4948306.